The following is an entry in ClinVar:

ClinVar aggregate classification (germline): Likely benign (1 of 4 stars; one submission).

Allele frequency attached by ClinVar (database versions not stated): gnomAD exomes below 0.00001.
gnomAD v4.1: 1 of 1,613,962 alleles (0.000062%); highest among the groups gnomAD compares: Non-Finnish European, 0.000085%; no homozygotes.

Submission:

CeGaT Center for Human Genetics Tuebingen
Classification: Likely benign. Last evaluated: 2022-04-01. Review status: criteria provided, single submitter. Criteria: CeGaT Center For Human Genetics Tuebingen Variant Classification Criteria Version 2. Collection method: clinical testing. Allele origin: germline. Affected: yes. Observed: 1 variant allele.
Comment: OASL: PM2:Supporting, BP4, BP7

NM_003733.4(OASL):c.606G>T (p.Arg202=)

Gene: OASL (2'-5'-oligoadenylate synthetase like; minus strand). Cytogenetic location: 12q24.31.
Variant type: single nucleotide variant.
Coding change: c.606G>T on transcript NM_003733.4 (MANE Select); coding-DNA position 606, G replaced by T.
Protein change: p.Arg202=; no amino-acid change (arginine 202 retained).
Molecular consequence: synonymous variant.
Genome position (GRCh38, 1-based): chr12:121,031,493, C>A on the plus strand (G>T on the coding strand, the complement: OASL is on the minus strand). VCF-style: chr12-121031493-C-A. GRCh37 (hg19) VCF-style: chr12-121469296-C-A.
Other names: c.606G>T, p.Arg202= (NM_001261825.2, NM_001395418.1, NM_001395419.1 and 1 more transcripts).
Identifiers: ClinVar variation 2643402 (VCV002643402.24), dbSNP rs1423552849, ClinGen allele CA482163890.